The following is an entry in ClinVar:

NC_000007.13:g.(?_26386063)_(26412192_?)dup

Gene: SNX10 (sorting nexin 10; plus strand). Cytogenetic location: 7p15.2.
Variant type: Duplication.
Identifiers: ClinVar variation 2423963 (VCV002423963.3).

ClinVar aggregate classification (germline): Uncertain significance (1 of 4 stars; one submission).

Submission:

Labcorp Genetics (formerly Invitae), Labcorp
Classification: Uncertain significance. Last evaluated: 2022-05-22. Review status: criteria provided, single submitter. Criteria: Invitae Variant Classification Sherloc (09022015). Collection method: clinical testing. Allele origin: germline.
Comment: A copy number gain of the genomic region encompassing the full coding sequence of the SNX10 gene has been identified. The boundaries of this event are unknown as they extend beyond the assayed region for this gene and therefore may encompass additional genes. As the precise location of this event is unknown, it may be in tandem or it may be located elsewhere in the genome. This variant has not been reported in the literature in individuals affected with SNX10-related conditions. Experimental studies and prediction algorithms are not available or were not evaluated, and the functional significance of this variant is currently unknown. In summary, the available evidence is currently insufficient to determine the role of this variant in disease. Therefore, it has been classified as a Variant of Uncertain Significance.